The following is an entry in ClinVar:

ClinVar aggregate classification (germline): Conflicting classifications of pathogenicity. Review status: criteria provided, conflicting classifications (1 of 4 stars). 2 submissions from 2 submitters: Uncertain significance (1); Likely benign (1). Last evaluated 2025-08-17.

Conditions:
Familial thoracic aortic aneurysm and aortic dissection (TAAD). Also called: Thoracic aortic aneurysms and dissections. Identifiers: Orphanet 91387, MedGen C4707243, MONDO:0019625.
Congenital contractural arachnodactyly (CCA). Also called: BEALS SYNDROME; Arthrogryposis, distal, type 9; Beals-Hecht syndrome. Identifiers: Orphanet 115, MedGen C0220668, MONDO:0007363, OMIM 121050.

Allele frequency attached by ClinVar (database versions not stated): gnomAD 0.00001; gnomAD exomes 0.00001 and 0.00002; ExAC 0.00002.
gnomAD v4.1: 18 of 1,613,740 alleles (0.0011%); highest among the groups gnomAD compares: Middle Eastern, 0.016%; no homozygotes.

Submissions (2):

Labcorp Genetics (formerly Invitae), Labcorp
Classification: Likely benign for Congenital contractural arachnodactyly. Last evaluated: 2025-08-17. Review status: criteria provided, single submitter. Criteria: Invitae Variant Classification Sherloc (09022015). Collection method: clinical testing. Allele origin: germline.

Ambry Genetics
Classification: Uncertain significance for Familial thoracic aortic aneurysm and aortic dissection. Last evaluated: 2018-02-26. Review status: criteria provided, single submitter. Criteria: Ambry Variant Classification Scheme 2023. Collection method: clinical testing. Allele origin: germline.
Comment: The p.R2210H variant (also known as c.6629G>A), located in coding exon 52 of the FBN2 gene, results from a G to A substitution at nucleotide position 6629. The arginine at codon 2210 is replaced by histidine, an amino acid with highly similar properties, and is located in the cbEGF-like #34 domain. This amino acid position is not well conserved in available vertebrate species, and histidine is the reference amino acid in other vertebrate species. In addition, this alteration is predicted to be tolerated by in silico analysis. Since supporting evidence is limited at this time, the clinical significance of this alteration remains unclear.

NM_001999.4(FBN2):c.6629G>A (p.Arg2210His)

Gene: FBN2 (fibrillin 2; minus strand). Cytogenetic location: 5q23.3.
Variant type: single nucleotide variant.
Coding change: c.6629G>A on transcript NM_001999.4 (MANE Select); coding-DNA position 6629, G replaced by A.
Protein change: p.Arg2210His; replaces arginine 2210 with histidine.
Molecular consequence: missense variant.
Genome position (GRCh38, 1-based): chr5:128,289,135, C>T on the plus strand (G>A on the coding strand, the complement: FBN2 is on the minus strand). VCF-style: chr5-128289135-C-T. GRCh37 (hg19) VCF-style: chr5-127624827-C-T.
Other names: short protein forms R2210H.
Identifiers: ClinVar variation 581336 (VCV000581336.11), dbSNP rs745396297, ClinGen allele CA3394359.